The following is an entry in ClinVar:

NM_001184880.2(PCDH19):c.746A>G (p.Glu249Gly)

Gene: PCDH19 (protocadherin 19; minus strand). Cytogenetic location: Xq22.1.
Variant type: single nucleotide variant.
Coding change: c.746A>G on transcript NM_001184880.2 (MANE Select); coding-DNA position 746, A replaced by G.
Protein change: p.Glu249Gly; replaces glutamic acid 249 with glycine.
Molecular consequence: missense variant.
Genome position (GRCh38, 1-based): chrX:100,407,852, T>C on the plus strand (A>G on the coding strand, the complement: PCDH19 is on the minus strand). VCF-style: chrX-100407852-T-C. GRCh37 (hg19) VCF-style: chrX-99662850-T-C.
Other names: c.746A>G, p.Glu249Gly (NM_001105243.2, NM_020766.3); short protein forms E249G.
Identifiers: ClinVar variation 1071429 (VCV001071429.9), dbSNP rs2147540751, ClinGen allele CA414008351.

ClinVar aggregate classification (germline): Pathogenic (1 of 4 stars; one submission).

Conditions:
Developmental and epileptic encephalopathy, 9 (DEE9). Also called: PCDH19-Related X-Linked Female-Limited Epilepsy with Mental Retardation; Early infantile epileptic encephalopathy 9; EPILEPSY, FEMALE-RESTRICTED, WITH MENTAL RETARDATION; JUBERG-HELLMAN SYNDROME. Identifiers: Orphanet 101039, Orphanet 2076, MedGen C1848137, MONDO:0010246, OMIM 300088. Disease mechanism: loss of function.

Submission:

Labcorp Genetics (formerly Invitae), Labcorp
Classification: Pathogenic for Developmental and epileptic encephalopathy, 9. Last evaluated: 2020-08-25. Review status: criteria provided, single submitter. Criteria: Invitae Variant Classification Sherloc (09022015). Collection method: clinical testing. Allele origin: germline.
Comment: This sequence change replaces glutamic acid with glycine at codon 249 of the PCDH19 protein (p.Glu249Gly). The glutamic acid residue is highly conserved and there is a moderate physicochemical difference between glutamic acid and glycine. This variant is not present in population databases (ExAC no frequency). This variant has been observed in individual(s) with clinical features of infantile epileptic encephalopathies (PMID: 22504056, 29933521). In at least one individual the variant was observed to be de novo. Algorithms developed to predict the effect of missense changes on protein structure and function (SIFT, PolyPhen-2, Align-GVGD) all suggest that this variant is likely to be disruptive, but these predictions have not been confirmed by published functional studies and their clinical significance is uncertain. This variant disrupts the p.Glu249 amino acid residue in PCDH19. Other variant(s) that disrupt this residue have been determined to be pathogenic (Invitae). This suggests that this residue is clinically significant, and that variants that disrupt this residue are likely to be disease-causing. For these reasons, this variant has been classified as Pathogenic.

Literature cited by the submitters: PubMed 22504056; PubMed 29933521.